The following is an entry in ClinVar:

NM_002907.4(RECQL):c.175_176dup (p.Asn59fs)

Gene: RECQL (RecQ like helicase; minus strand). Cytogenetic location: 12p12.1.
Variant type: Duplication.
Coding change: c.175_176dup on transcript NM_002907.4 (MANE Select); coding-DNA positions 175 to 176, 2 bases duplicated (AA; older notation c.175_176dupAA).
Protein change: p.Asn59fs; shifts the reading frame from asparagine 59.
Molecular consequence: frameshift variant.
Genome position (GRCh38, 1-based): chr12:21,491,557-21,491,558, TT duplicated on the plus strand (AA on the coding strand, the reverse complement: RECQL is on the minus strand). VCF-style (leftmost placement, unchanged base first): chr12-21491556-A-ATT. GRCh37 (hg19) VCF-style: chr12-21644490-A-ATT.
Other names: c.175_176dup, p.Asn59fs (NM_032941.3); c.175_176dupAA (NM_002907.3); short protein forms N59fs.
Identifiers: ClinVar variation 1378319 (VCV001378319.7), dbSNP rs1269720592, ClinGen allele CA603967691.

ClinVar aggregate classification (germline): Uncertain significance. Review status: criteria provided, multiple submitters, no conflicts (2 of 4 stars). 2 submissions from 2 submitters: Uncertain significance (2). Last evaluated 2024-01-09.

Allele frequency attached by ClinVar (database versions not stated): gnomAD exomes below 0.00001.

Submissions (2):

Ambry Genetics
Classification: Uncertain significance. Last evaluated: 2024-01-09. Review status: criteria provided, single submitter. Criteria: Ambry Variant Classification Scheme 2023. Collection method: clinical testing. Allele origin: germline.
Comment: The c.175_176dupAA variant, located in coding exon 2 of the RECQL gene, results from a duplication of AA at nucleotide position 175, causing a translational frameshift with a predicted alternate stop codon (p.N59Kfs*45). This alteration is expected to result in loss of function by premature protein truncation or nonsense-mediated mRNA decay. The evidence for this gene-disease relationship is limited; therefore, the clinical significance of this alteration is unclear.

Labcorp Genetics (formerly Invitae), Labcorp
Classification: Uncertain significance. Last evaluated: 2021-08-28. Review status: criteria provided, single submitter. Criteria: Invitae Variant Classification Sherloc (09022015). Collection method: clinical testing. Allele origin: germline.
Comment: This variant has not been reported in the literature in individuals affected with RECQL-related conditions. This sequence change creates a premature translational stop signal (p.Asn59Lysfs*45) in the RECQL gene. It is expected to result in an absent or disrupted protein product. However, the current clinical and genetic evidence is not sufficient to establish whether loss-of-function variants in RECQL cause disease. This variant is not present in population databases (ExAC no frequency). In summary, the available evidence is currently insufficient to determine the role of this variant in disease. Therefore, it has been classified as a Variant of Uncertain Significance.